The following is an entry in ClinVar:

NM_004539.4(NARS1):c.528G>C (p.Glu176Asp)

Gene: NARS1 (asparaginyl-tRNA synthetase 1; minus strand). Cytogenetic location: 18q21.31.
Variant type: single nucleotide variant.
Coding change: c.528G>C on transcript NM_004539.4 (MANE Select); coding-DNA position 528, G replaced by C.
Protein change: p.Glu176Asp; replaces glutamic acid 176 with aspartic acid.
Molecular consequence: missense variant.
Genome position (GRCh38, 1-based): chr18:57,609,408, C>G on the plus strand (G>C on the coding strand, the complement: NARS1 is on the minus strand). VCF-style: chr18-57609408-C-G. GRCh37 (hg19) VCF-style: chr18-55276640-C-G.
Other names: short protein forms E176D.
Identifiers: ClinVar variation 2502700 (VCV002502700.1), dbSNP rs2122437128, ClinGen allele CA402550261.
Genomic context (GRCh38, chr18:57,609,408, plus strand): 5'-TCCACTCACCTGCTTGCCCTTTGGGGTAAGATTTAGCATTCCATACACTGCAACACTGCT[C>G]TCCGTGGACAAGAGAACTCCATTGTAGCACTGACACTATAAAAAGGTCAAAGCTCAAATT-3'
Protein context (NP_004530.1, residues 166-186): QCYNGVLLST[Glu176Asp]SSVAVYGMLN

ClinVar aggregate classification (germline): Uncertain significance (1 of 4 stars; one submission).

Submission:

GeneDx
Classification: Uncertain significance. Last evaluated: 2022-11-17. Review status: criteria provided, single submitter. Criteria: GeneDx Variant Classification Process June 2021. Collection method: clinical testing. Allele origin: germline. Affected: yes.
Comment: Not observed at significant frequency in large population cohorts (gnomAD); In silico analysis supports that this missense variant has a deleterious effect on protein structure/function; Has not been previously published as pathogenic or benign to our knowledge